The following is an entry in ClinVar:

NC_000015.9:g.(?_41687037)_(41689257_?)del

Gene: NDUFAF1 (NADH:ubiquinone oxidoreductase complex assembly factor 1; minus strand). Cytogenetic location: 15q15.1.
Variant type: Deletion.
Identifiers: ClinVar variation 1004277 (VCV001004277.6).

ClinVar aggregate classification (germline): Uncertain significance (1 of 4 stars; one submission).

Submission:

Labcorp Genetics (formerly Invitae), Labcorp
Classification: Uncertain significance. Last evaluated: 2021-12-03. Review status: criteria provided, single submitter. Criteria: Invitae Variant Classification Sherloc (09022015). Collection method: clinical testing. Allele origin: germline.
Comment: In summary, the available evidence is currently insufficient to determine the role of this variant in disease. Therefore, it has been classified as a Variant of Uncertain Significance. This variant has not been reported in the literature in individuals affected with NDUFAF1-related conditions. This variant is a gross deletion of the genomic region encompassing exon(s) 2-3 of the NDUFAF1 gene, which includes the initiator codon. This deletion extends beyond the assayed region for this gene and therefore may encompass additional genes. It is expected to result in an absent or disrupted protein product. However, the current clinical and genetic evidence is not sufficient to establish whether loss-of-function variants in NDUFAF1 cause disease.